The following is an entry in ClinVar:

NM_022773.4(LMF1):c.237C>T (p.Ile79=)

Gene: LMF1 (lipase maturation factor 1; minus strand). Cytogenetic location: 16p13.3.
Variant type: single nucleotide variant.
Coding change: c.237C>T on transcript NM_022773.4 (MANE Select); coding-DNA position 237, C replaced by T.
Protein change: p.Ile79=; no amino-acid change (isoleucine 79 retained).
Molecular consequence: synonymous variant. On other transcripts: 5 prime UTR variant (4), non-coding transcript variant (1).
Genome position (GRCh38, 1-based): chr16:954,623, G>A on the plus strand (C>T on the coding strand, the complement: LMF1 is on the minus strand). VCF-style: chr16-954623-G-A. GRCh37 (hg19) VCF-style: chr16-1004623-G-A.
Other names: c.-567C>T (NM_001352017.2); c.-318C>T (NM_001352018.2); c.-91C>T (NM_001352019.2); c.237C>T, p.Ile79= (NM_001352020.1); c.-469C>T (NM_001352021.2).
Identifiers: ClinVar variation 1560135 (VCV001560135.15), dbSNP rs141010394, ClinGen allele CA7797710.

ClinVar aggregate classification (germline): Likely benign. Review status: criteria provided, multiple submitters, no conflicts (2 of 4 stars). 6 submissions from 6 submitters: Likely benign (5). 1 of the submissions does not count toward it. Last evaluated 2026-01-08.

Conditions:
LMF1-related disorder. Also called: LMF1-related condition.
Cardiovascular phenotype. Identifiers: MedGen CN230736.

Allele frequency attached by ClinVar (database versions not stated): ExAC 0.00031; gnomAD 0.00044 and 0.00045; TOPMed 0.00054; ESP Exome Variant Server 0.00057; 1000 Genomes Project 0.00060; 1000 Genomes Project 30x 0.00062.
gnomAD v4.1: 457 of 1,608,524 alleles (0.028%); highest among the groups gnomAD compares: African/African-American, 0.12%; no homozygotes.

Submissions (6):

Labcorp Genetics (formerly Invitae), Labcorp
Classification: Likely benign. Last evaluated: 2026-01-08. Review status: criteria provided, single submitter. Criteria: Invitae Variant Classification Sherloc (09022015). Collection method: clinical testing. Allele origin: germline.

Blueprint Genetics
Classification: Likely benign. Last evaluated: 2024-08-20. Review status: criteria provided, single submitter. Criteria: ACMG Guidelines, 2015. Collection method: clinical testing. Allele origin: germline.

Ambry Genetics
Classification: Likely benign for Cardiovascular phenotype. Last evaluated: 2022-05-17. Review status: criteria provided, single submitter. Criteria: Ambry Variant Classification Scheme 2023. Collection method: clinical testing. Allele origin: germline.

GeneDx
Classification: Likely benign. Last evaluated: 2021-06-21. Review status: criteria provided, single submitter. Criteria: GeneDx Variant Classification Process June 2021. Collection method: clinical testing. Allele origin: germline. Affected: yes.
Comment: See Variant Classification Assertion Criteria.

Breakthrough Genomics
Classification: Likely benign. Review status: criteria provided, single submitter. Criteria: ACMG Guidelines, 2015. Collection method: not provided. Allele origin: germline. Inheritance: Autosomal recessive inheritance. Affected: yes.

PreventionGenetics, part of Exact Sciences
Classification: Likely benign for LMF1-related condition. Last evaluated: 2019-06-26. Review status: no assertion criteria provided. Collection method: clinical testing. Allele origin: germline. Not counted in ClinVar's aggregate classification.
Comment: This variant is classified as likely benign based on ACMG/AMP sequence variant interpretation guidelines (Richards et al. 2015 PMID: 25741868, with internal and published modifications).